The following is an entry in ClinVar:

ClinVar aggregate classification (germline): Likely benign (0 of 4 stars; one submission).

Conditions:
SETD1A-related disorder. Also called: SETD1A-related condition.

Allele frequency attached by ClinVar (database versions not stated): gnomAD 0.00011; ExAC 0.00014; 1000 Genomes Project 30x 0.00016; 1000 Genomes Project 0.00020; TOPMed 0.00023.
gnomAD v4.1: 63 of 1,613,998 alleles (0.0039%); highest among the groups gnomAD compares: Admixed American, 0.088%; no homozygotes.

Submission:

PreventionGenetics, part of Exact Sciences
Classification: Likely benign for SETD1A-related condition. Last evaluated: 2019-03-22. Review status: no assertion criteria provided. Collection method: clinical testing. Allele origin: germline.
Comment: This variant is classified as likely benign based on ACMG/AMP sequence variant interpretation guidelines (Richards et al. 2015 PMID: 25741868, with internal and published modifications).

NM_014712.3(SETD1A):c.1440G>A (p.Val480=)

Gene: SETD1A (SET domain containing 1A, histone lysine methyltransferase; plus strand). Cytogenetic location: 16p11.2.
Variant type: single nucleotide variant.
Coding change: c.1440G>A on transcript NM_014712.3 (MANE Select); coding-DNA position 1440, G replaced by A.
Protein change: p.Val480=; no amino-acid change (valine 480 retained).
Molecular consequence: synonymous variant.
Genome position (GRCh38, 1-based): chr16:30,965,182, G>A. VCF-style: chr16-30965182-G-A. GRCh37 (hg19) VCF-style: chr16-30976503-G-A.
Identifiers: ClinVar variation 3058109 (VCV003058109.2), dbSNP rs201628923, ClinGen allele CA8016676.